The following is an entry in ClinVar:

NM_000535.7(PMS2):c.2215C>G (p.Leu739Val)

Gene: PMS2 (PMS1 homolog 2, mismatch repair system component; minus strand). Cytogenetic location: 7p22.1.
Variant type: single nucleotide variant.
Coding change: c.2215C>G on transcript NM_000535.7 (MANE Select); coding-DNA position 2215, C replaced by G.
Protein change: p.Leu739Val; replaces leucine 739 with valine.
Molecular consequence: missense variant. On other transcripts: non-coding transcript variant (1), intron variant (2).
Genome position (GRCh38, 1-based): chr7:5,978,656, G>C on the plus strand (C>G on the coding strand, the complement: PMS2 is on the minus strand). VCF-style: chr7-5978656-G-C. GRCh37 (hg19) VCF-style: chr7-6018287-G-C.
Other names: c.1810C>G, p.Leu604Val (NM_001322003.2, NM_001322004.2, NM_001322005.2 and 14 more transcripts); c.2059C>G, p.Leu687Val (NM_001322006.2, NM_001406870.1); c.1897C>G, p.Leu633Val (NM_001322007.2, NM_001322008.2, NM_001406876.1 and 1 more transcripts); c.1654C>G, p.Leu552Val (NM_001322010.2, NM_001406906.1, NM_001406907.1); c.1282C>G, p.Leu428Val (NM_001322011.2, NM_001322012.2); c.1642C>G, p.Leu548Val (NM_001322013.2, NM_001406908.1, NM_001406909.1); c.2215C>G, p.Leu739Val (NM_001322014.2); c.1906C>G, p.Leu636Val (NM_001322015.2, NM_001406875.1, NM_001406877.1 and 5 more transcripts); and 16 more; short protein forms L428V, L568V, L627V, L631V, L633V, L636V, L673V, L739V.
Identifiers: ClinVar variation 3890973 (VCV003890973.1).

ClinVar aggregate classification (germline): Uncertain significance (1 of 4 stars; one submission).

Conditions:
Hereditary cancer-predisposing syndrome. Also called: Tumor predisposition; Neoplastic Syndromes, Hereditary; Hereditary Cancer Syndrome; Hereditary neoplastic syndrome. Identifiers: Orphanet 140162, MedGen C0027672, MeSH D009386, MONDO:0015356.

Submission:

Ambry Genetics
Classification: Uncertain significance for Hereditary cancer-predisposing syndrome. Last evaluated: 2024-12-29. Review status: criteria provided, single submitter. Criteria: Ambry Variant Classification Scheme 2023. Collection method: clinical testing. Allele origin: germline.
Comment: The p.L739V variant (also known as c.2215C>G), located in coding exon 13 of the PMS2 gene, results from a C to G substitution at nucleotide position 2215. The leucine at codon 739 is replaced by valine, an amino acid with highly similar properties. This amino acid position is conserved. In addition, the in silico prediction for this alteration is inconclusive. Based on the available evidence, the clinical significance of this variant remains unclear.